The following is an entry in ClinVar:

ClinVar aggregate classification (germline): Uncertain significance (1 of 4 stars; one submission).

gnomAD v4.1: 2 of 1,596,278 alleles (0.00013%); highest among the groups gnomAD compares: Non-Finnish European, 0.00017%; no homozygotes.

Submission:

GeneDx
Classification: Uncertain significance. Last evaluated: 2019-10-13. Review status: criteria provided, single submitter. Criteria: GeneDx Variant Classification Process June 2021. Collection method: clinical testing. Allele origin: germline. Affected: yes.
Comment: Not observed in large population cohorts (Lek et al., 2016); Intronic +5 splice site variant in a gene for which loss-of-function is a known mechanism of disease; Has not been previously published as pathogenic or benign to our knowledge

NM_020631.6(PLEKHG5):c.1392+5G>A

Gene: PLEKHG5 (pleckstrin homology and RhoGEF domain containing G5; minus strand). Cytogenetic location: 1p36.31.
Variant type: single nucleotide variant.
Coding change: c.1392+5G>A on transcript NM_020631.6 (MANE Select); 5 bases into the intron after coding-DNA position 1392, G replaced by A.
Molecular consequence: intron variant.
Genome position (GRCh38, 1-based): chr1:6,470,985, C>T on the plus strand (G>A on the coding strand, the complement: PLEKHG5 is on the minus strand). VCF-style: chr1-6470985-C-T. GRCh37 (hg19) VCF-style: chr1-6531045-C-T.
Other names: c.1392+5G>A (NM_198681.4, NM_001265594.3, NM_001042664.2 and 1 more transcripts); c.1503+5G>A (NM_001042663.3, NM_001265592.2); c.1599+5G>A (NM_001265593.2).
Identifiers: ClinVar variation 1308924 (VCV001308924.2), dbSNP rs2148583512, ClinGen allele CA2573051612.